The following is an entry in ClinVar:

ClinVar aggregate classification (germline): Pathogenic. Review status: criteria provided, multiple submitters, no conflicts (2 of 4 stars). 4 submissions from 4 submitters: Pathogenic (3). 1 of the submissions does not count toward it. Last evaluated 2024-05-14.

Conditions:
Fetal akinesia deformation sequence 2. Identifiers: MedGen C4760576, MONDO:0100102, OMIM 618388.
Congenital myasthenic syndrome 11. Also called: MYASTHENIC SYNDROME, CONGENITAL, Ie; Myasthenic syndrome, congenital, 11, associated with acetylcholine receptor deficiency. Identifiers: Orphanet 590, MedGen C4225367, MONDO:0014588, OMIM 616326.
Fetal akinesia deformation sequence 1 (FADS1). Also called: Pena-Shokeir syndrome type I; Fetal akinesia sequence. Identifiers: Orphanet 994, MedGen C1276035, MONDO:0100101, OMIM 208150, HP:0001989.
RAPSN-related disorder. Also called: RAPSN-related disorders; RAPSN-related condition. Identifiers: MedGen CN239397.

Submissions (4):

Myriad Genetics, Inc.
Classification: Pathogenic for RAPSN-related disorder. Last evaluated: 2024-05-14. Review status: criteria provided, single submitter. Criteria: Myriad Autosomal Dominant, Autosomal Recessive and X-Linked Classification Criteria (2023). Collection method: clinical testing. Allele origin: unknown.
Comment: NM_005055.4(RAPSN):c.46dupC(L16Pfs*142) is expected to be pathogenic in the context of RAPSN-related disorders. This variant is predicted to lead to an abnormal or absent protein product due to the creation of a premature termination codon in RAPSN, a gene where loss-of-function variants are known to be pathogenic. Please note: this variant was assessed in the context of healthy population screening.

Baylor Genetics
Classification: Pathogenic for Fetal akinesia deformation sequence 2. Last evaluated: 2023-11-02. Review status: criteria provided, single submitter. Criteria: ACMG Guidelines, 2015. Collection method: clinical testing. Allele origin: unknown.

Labcorp Genetics (formerly Invitae), Labcorp
Classification: Pathogenic for Congenital myasthenic syndrome 11; Fetal akinesia deformation sequence 1. Last evaluated: 2022-12-07. Review status: criteria provided, single submitter. Criteria: Invitae Variant Classification Sherloc (09022015). Collection method: clinical testing. Allele origin: germline.
Comment: For these reasons, this variant has been classified as Pathogenic. ClinVar contains an entry for this variant (Variation ID: 1073878). This variant is also known as c.46insC. This premature translational stop signal has been observed in individual(s) with congenital myasthenic syndrome (PMID: 12730725, 14504330). This variant is not present in population databases (gnomAD no frequency). This sequence change creates a premature translational stop signal (p.Leu16Profs*142) in the RAPSN gene. It is expected to result in an absent or disrupted protein product. Loss-of-function variants in RAPSN are known to be pathogenic (PMID: 17686188).

OMIM
Classification: Pathogenic for MYASTHENIC SYNDROME, CONGENITAL, 11, ASSOCIATED WITH ACETYLCHOLINE RECEPTOR DEFICIENCY. Last evaluated: 2003-01-01. Review status: no assertion criteria provided. Collection method: literature only. Allele origin: germline. Not counted in ClinVar's aggregate classification.

Literature cited by the submitters: PubMed 12730725 (cited by Labcorp Genetics (formerly Invitae), Labcorp and OMIM); PubMed 14504330 (cited by Labcorp Genetics (formerly Invitae), Labcorp); PubMed 17686188 (cited by Labcorp Genetics (formerly Invitae), Labcorp).

NM_005055.5(RAPSN):c.46dup (p.Leu16fs)

Gene: RAPSN (receptor associated protein of the synapse; minus strand). Cytogenetic location: 11p11.2.
Variant type: Duplication.
Coding change: c.46dup on transcript NM_005055.5 (MANE Select); coding-DNA position 46, one base duplicated (C; older notation c.46dupC).
Protein change: p.Leu16fs; shifts the reading frame from leucine 16.
Molecular consequence: frameshift variant.
Genome position (GRCh38, 1-based): chr11:47,448,919, G duplicated on the plus strand (C on the coding strand, the reverse complement: RAPSN is on the minus strand). VCF-style (leftmost placement, unchanged base first): chr11-47448918-A-AG. GRCh37 (hg19) VCF-style: chr11-47470470-A-AG.
Other names: c.46dup, p.Leu16fs (NM_032645.5); short protein forms L16fs.
Identifiers: ClinVar variation 1073878 (VCV001073878.13), dbSNP rs2153311780, ClinGen allele CA2499221056.